The following is an entry in ClinVar:

NM_000435.3(NOTCH3):c.421C>T (p.Arg141Cys)

Gene: NOTCH3 (notch receptor 3; minus strand). Cytogenetic location: 19p13.12.
Variant type: single nucleotide variant.
Coding change: c.421C>T on transcript NM_000435.3 (MANE Select); coding-DNA position 421, C replaced by T.
Protein change: p.Arg141Cys; replaces arginine 141 with cysteine.
Molecular consequence: missense variant.
Genome position (GRCh38, 1-based): chr19:15,192,218, G>A on the plus strand (C>T on the coding strand, the complement: NOTCH3 is on the minus strand). VCF-style: chr19-15192218-G-A. GRCh37 (hg19) VCF-style: chr19-15303029-G-A.
Other names: short protein forms R141C.
Identifiers: ClinVar variation 447846 (VCV000447846.68), dbSNP rs1174625611, ClinGen allele CA404534145.

ClinVar aggregate classification (germline): Pathogenic. Review status: criteria provided, multiple submitters, no conflicts (2 of 4 stars). 16 submissions from 16 submitters: Pathogenic (16). Last evaluated 2026-08-03.

Conditions:
NOTCH3-related disorder. Also called: NOTCH3-related disorders; NOTCH3-related condition.
Cerebral arteriopathy, autosomal dominant, with subcortical infarcts and leukoencephalopathy, type 1 (CADASIL1). Also called: Cerebral arteriopathy with subcortical infarcts and leukoencephalopathy 1; DEMENTIA, HEREDITARY MULTIINFARCT TYPE; CADASIL 1; CASIL. Identifiers: Orphanet 136, MedGen C4551768, MONDO:0000914, OMIM 125310.
Lateral meningocele syndrome (LMNS). Also called: NOTCH3-Related Lateral Meningocele Syndrome. Identifiers: Orphanet 2789, MedGen C1851710, MONDO:0007537, OMIM 130720.
Myofibromatosis, infantile, 2. Identifiers: Orphanet 2591, MedGen C3809084, MONDO:0014122, OMIM 615293.

Submissions 1 to 8 of 16:

Cambridge Genomics Laboratory, East Genomic Laboratory Hub, NHS Genomic Medicine Service
Classification: Pathogenic for CADASIL. Last evaluated: 2026-08-03. Review status: criteria provided, single submitter. Criteria: ACGS Best Practice Guidelines for Variant Classification in Rare Disease 2020. Collection method: clinical testing. Allele origin: germline. Affected: yes.
Comment: PS3_Supporting,PS4_Moderate,PM1_Strong,PM2_Supporting,PP1_Strong,PP3

Genetics Laboratory, Great Ormond Street Hospital NHS Foundation Trust, North Thames Genomic Laboratory Hub
Classification: Pathogenic for CADASIL. Last evaluated: 2026-04-30. Review status: criteria provided, single submitter. Criteria: ACGS Best Practice Guidelines for Variant Classification in Rare Disease 2024 v1.2. Collection method: clinical testing. Allele origin: germline. Affected: yes.
Comment: PS4_moderate, PP3_supporting, PS3_supporting, PM1_strong, PP1_strong

Labcorp Genetics (formerly Invitae), Labcorp
Classification: Pathogenic. Last evaluated: 2026-01-22. Review status: criteria provided, single submitter. Criteria: Invitae Variant Classification Sherloc (09022015). Collection method: clinical testing. Allele origin: germline.
Comment: This sequence change replaces arginine, which is basic and polar, with cysteine, which is neutral and slightly polar, at codon 141 of the NOTCH3 protein (p.Arg141Cys). This variant is not present in population databases (gnomAD no frequency). This missense change has been observed in individuals with autosomal dominant cerebral arteriopathy with subcortical infarcts and leukoencephalopathy (PMID: 9388399, 11757773, 16580020). It has also been observed to segregate with disease in related individuals. ClinVar contains an entry for this variant (Variation ID: 447846). Invitae Evidence Modeling of protein sequence and biophysical properties (such as structural, functional, and spatial information, amino acid conservation, physicochemical variation, residue mobility, and thermodynamic stability) indicates that this missense variant is expected to disrupt NOTCH3 protein function with a positive predictive value of 95%. For these reasons, this variant has been classified as Pathogenic.

Women's Health and Genetics/Laboratory Corporation of America, LabCorp
Classification: Pathogenic for Cerebral arteriopathy, autosomal dominant, with subcortical infarcts and leukoencephalopathy, type 1. Last evaluated: 2025-09-09. Review status: criteria provided, single submitter. Criteria: LabCorp Variant Classification Summary - May 2015. Collection method: clinical testing. Allele origin: germline.
Comment: Variant summary: NOTCH3 c.421C>T (p.Arg141Cys) results in a non-conservative amino acid change in the encoded protein sequence. Algorithms developed to predict the effect of missense changes on protein structure and function all suggest that this variant is likely to be disruptive. The variant was absent in 236492 control chromosomes. c.421C>T has been observed in multiple individuals affected with Cerebral arteriopathy, autosomal dominant, with subcortical infarcts and leukoencephalopathy, type 1 (examples: Joutel_1997, Murakami_2001). These data indicate that the variant is very likely to be associated with disease. The following publications have been ascertained in the context of this evaluation (PMID: 9388399, 12482954, 11757773). ClinVar contains an entry for this variant (Variation ID: 447846). Based on the evidence outlined above, the variant was classified as pathogenic.

ARUP Laboratories, Molecular Genetics and Genomics, ARUP Laboratories
Classification: Pathogenic. Last evaluated: 2025-06-05. Review status: criteria provided, single submitter. Criteria: ARUP Molecular Germline Variant Investigation Process 2024. Collection method: clinical testing. Allele origin: germline.
Comment: The NOTCH3 c.421C>T; p.Arg141Cys variant (rs1174625611, ClinVar Variation ID: 447846) is reported in the literature in numerous individuals with clinical diagnoses or personal and family histories indicative of CADASIL (Cappelli 2009, Joutel 1997, Kusaba 2007, Lee 2006, Murakami 2001, Onder 2017, Yadav 2013). Familial studies demonstrate that the variant segregates with disease (Murakami 2001, Yadav 2013). This variant is absent from the Genome Aggregation Database (v2.1.1), indicating it is not a common polymorphism. Computational analyses predict that this variant is deleterious (REVEL: 0.874). Furthermore, this variant creates an additional cysteine in an EGF-like repeat domain, which is thought to lead to abnormal disulfide bridge formation and perturb protein function (Joutel 1997, Rutten 2016). Consistent with this notion, functional studies indicate that the p.Arg141Cys variant aggregates in the cytoplasm and is not efficiently processed and trafficked to the plasma membrane (Karlstrom 2002). Based on available information, this variant is considered to be pathogenic. References: Cappelli A et al. High recurrence of the R1006C NOTCH3 mutation in central Italian patients with cerebral autosomal dominant arteriopathy with subcortical infarcts and leukoencephalopathy (CADASIL). Neurosci Lett. 2009 Sep 22;462(2):176-8. PMID: 19576955. Joutel A et al. Strong clustering and stereotyped nature of Notch3 mutations in CADASIL patients. Lancet. 1997 Nov 22;350(9090):1511-5. PMID: 9388399. Karlstrom H et al. A CADASIL-mutated Notch 3 receptor exhibits impaired intracellular trafficking and maturation but normal ligand-induced signaling. Proc Natl Acad Sci U S A. 2002 Dec 24;99(26):17119-24. PMID: 12482954. Kusaba T et al. Renal involvement in cerebral autosomal dominant arteriopathy with subcortical infarcts and leukoencephalopathy (CADASIL). Clin Nephrol. 2007 Mar;67(3):182-7. PMID: 17390743. Lee YC et al. Cerebral autosomal dominant arteriopathy with subcortical infarcts and leukoencephalopathy: two novel mutations in the NOTCH3 gene in Chinese. J Neurol Sci. 2006 Jul 15;246(1-2):111-5. PMID: 16580020. Murakami T et al. Two Japanese CADASIL families with a R141C mutation in the Notch3 gene. Intern Med. 2001 Nov;40(11):1144-8. PMID: 11757773. Onder H et al. R141C Mutation of NOTCH3 Gene in Cerebral Autosomal Dominant Arteriopathy with Subcortical Infarcts and Leukoencephalopathy. J Neurosci Rural Pract. 2017 Apr-Jun;8(2):301-303. PMID: 28479817. Rutten JW et al. Archetypal NOTCH3 mutations frequent in public exome: implications for CADASIL. Ann Clin Transl Neurol. 2016 Sep 28;3(11):844-853. PMID: 27844030. Yadav S et al. The first Indian-origin family with genetically proven cerebral autosomal dominant arteriopathy with subcortical infarcts and leukoencephalopathy (CADASIL). J Stroke Cerebrovasc Dis. 2013 Jan;22(1):28-31. PMID: 21737310.

PreventionGenetics, part of Exact Sciences
Classification: Pathogenic for NOTCH3-related condition. Last evaluated: 2025-05-07. Review status: criteria provided, single submitter. Criteria: ACMG Guidelines, 2015. Collection method: clinical testing. Allele origin: germline.
Comment: The NOTCH3 c.421C>T variant is predicted to result in the amino acid substitution p.Arg141Cys. This variant has been reported as causative for CADASIL in numerous unrelated patients, and functional studies support its pathogenicity (see, for example, Joutel et al. Lancet. 1997. PubMed ID: 9388399; Karlström et al. 2002. PubMed ID: 12482954; Cappelli et al. 2009. PubMed ID: 19576955). At PreventionGenetics, we previously identified this variant in other patients with a diagnosis of CADASIL. Most CADASIL causing variants in the NOTCH3 gene result in the gain or loss of one or more cysteine residues in the extracellular domain of the protein, as seen in this patient. This patient’s variant alters a cysteine residue and is located in the extracellular EGF-like domain three. Pathogenic variants in EGF-like domains 1-6 appear to be fully penetrant and are usually associated with the classical CADASIL phenotype. However, there is variability in disease severity (OMIM #125310; Rutten et al. 2016. PubMed ID: 27844030; Rutten et al. 2019. PubMed ID: 30032161). We classify this variant as pathogenic.

3billion
Classification: Pathogenic for Cerebral arteriopathy, autosomal dominant, with subcortical infarcts and leukoencephalopathy, type 1. Last evaluated: 2025-04-13. Review status: criteria provided, single submitter. Criteria: ACMG Guidelines, 2015. Collection method: clinical testing. Allele origin: germline. Affected: yes.
Comment: The variant is observed at an extremely low frequency in the gnomAD v4.1.0 dataset (total allele frequency: <0.001%). Predicted Consequence/Location: The variant is located in a mutational hot spot and/or well-established functional domain in which established pathogenic variants have been reported (PMID: 35822697). Missense variant. Missense changes are a common disease-causing mechanism. Functional studies provide strong evidence of the variant having a damaging effect on the gene or gene product (PMID: 12482954). In silico tool predictions suggest damaging effect of the variant on gene or gene product [3Cnet: 0.94 (> 0.75, sensitivity 0.96 and precision 0.92)]. The same nucleotide change resulting in the same amino acid change has been previously reported as pathogenic/likely pathogenic with strong evidence (ClinVar ID: VCV000447846 / PMID: 9388399 / 3billion dataset). The variant has been observed in multiple (>3) similarly affected unrelated individuals (PMID: 11757773, 16580020, 19576955, 21737310, 28479817). The variant has been reported to co-segregate with the disease in at least 5 similarly affected relatives/individuals in the same family or similarly affected unrelated families (PMID: 11757773, 21737310). Therefore, this variant is classified as Pathogenic according to the recommendation of ACMG/AMP guideline.

Mayo Clinic Laboratories, Mayo Clinic
Classification: Pathogenic. Last evaluated: 2024-05-06. Review status: criteria provided, single submitter. Criteria: ACMG Guidelines, 2015. Collection method: clinical testing. Allele origin: germline. Observed: 8 variant alleles.
Comment: PP1, PP2, PP3, PM1, PM2_moderate, PS3, PS4